The following is an entry in ClinVar:

ClinVar aggregate classification (germline): Uncertain significance (1 of 4 stars; one submission).

Conditions:
PKD1L1-related disorder. Also called: PKD1L1-related condition.

gnomAD v4.1: 24 of 1,613,012 alleles (0.0015%); highest among the groups gnomAD compares: East Asian, 0.051%; no homozygotes.

Submission:

PreventionGenetics, part of Exact Sciences
Classification: Uncertain significance for PKD1L1-related condition. Last evaluated: 2024-11-04. Review status: criteria provided, single submitter. Criteria: ACMG Guidelines, 2015. Collection method: clinical testing. Allele origin: germline.
Comment: The PKD1L1 c.6973A>G variant is predicted to result in the amino acid substitution p.Arg2325Gly. To our knowledge, this variant has not been reported in the literature or in a large population database (gnomAD), indicating this variant is rare. At this time, the clinical significance of this variant is uncertain due to the absence of conclusive functional and genetic evidence.

NM_138295.5(PKD1L1):c.6973A>G (p.Arg2325Gly)

Genes: PKD1L1 (polycystin 1 like 1, transient receptor potential channel interacting; minus strand), PKD1L1-AS1 (PKD1L1 antisense RNA 1; plus strand). Cytogenetic location: 7p12.3.
Variant type: single nucleotide variant.
Coding change: c.6973A>G on transcript NM_138295.5 (MANE Select); coding-DNA position 6973, A replaced by G.
Protein change: p.Arg2325Gly; replaces arginine 2325 with glycine.
Molecular consequence: missense variant.
Genome position (GRCh38, 1-based): chr7:47,815,450, T>C on the plus strand (A>G on the coding strand, the complement: PKD1L1 is on the minus strand). VCF-style: chr7-47815450-T-C. GRCh37 (hg19) VCF-style: chr7-47855048-T-C.
Other names: short protein forms R2325G.
Identifiers: ClinVar variation 4985675 (VCV004985675.1).
Genomic context (GRCh38, chr7:47,815,450, plus strand): 5'-GTGTGGTCAGACTCCAGTCCCACCAGTCAGCGATGTTTCTCAGGCCACCCAAGCAGTTTC[T>C]GGCATTTCTTAATGCAAGAACAAAAATAAAAAGTTGCTTCTGCATCAACAAGAACAATGA-3'
Protein context (NP_612152.1, residues 2315-2335): AIRKEFTRNA[Arg2325Gly]NCLGGLRNIA